The following is an entry in ClinVar:

ClinVar aggregate classification (germline): Likely benign (0 of 4 stars; one submission).

Conditions:
MYO7B-related disorder. Also called: MYO7B-related condition.

Allele frequency attached by ClinVar (database versions not stated): TOPMed 0.00009; gnomAD 0.00032; gnomAD exomes 0.00051; ExAC 0.00109; 1000 Genomes Project 0.00200; 1000 Genomes Project 30x 0.00234.
gnomAD v4.1: 790 of 1,610,262 alleles (0.049%); highest among the groups gnomAD compares: South Asian, 0.77%; 11 homozygotes.

Submission:

PreventionGenetics, part of Exact Sciences
Classification: Likely benign for MYO7B-related condition. Last evaluated: 2019-04-19. Review status: no assertion criteria provided. Collection method: clinical testing. Allele origin: germline.
Comment: This variant is classified as likely benign based on ACMG/AMP sequence variant interpretation guidelines (Richards et al. 2015 PMID: 25741868, with internal and published modifications).

NM_001393586.1(MYO7B):c.592+7A>C

Genes: MYO7B (myosin VIIB; plus strand), LOC105373609 (uncharacterized LOC105373609; minus strand). Cytogenetic location: 2q14.3.
Variant type: single nucleotide variant.
Coding change: c.592+7A>C on transcript NM_001393586.1 (MANE Select); 7 bases into the intron after coding-DNA position 592, A replaced by C.
Molecular consequence: intron variant.
Genome position (GRCh38, 1-based): chr2:127,569,917, A>C. VCF-style: chr2-127569917-A-C. GRCh37 (hg19) VCF-style: chr2-128327492-A-C.
Other names: c.592+7A>C (NM_001080527.2).
Identifiers: ClinVar variation 3041779 (VCV003041779.2), dbSNP rs542130438, ClinGen allele CA1860448.